The following is an entry in ClinVar:

ClinVar aggregate classification (germline): Uncertain significance (1 of 4 stars; one submission).

Submission:

Labcorp Genetics (formerly Invitae), Labcorp
Classification: Uncertain significance. Last evaluated: 2023-04-25. Review status: criteria provided, single submitter. Criteria: Invitae Variant Classification Sherloc (09022015). Collection method: clinical testing. Allele origin: germline.
Comment: This variant has not been reported in the literature in individuals affected with NLRP1-related conditions. This sequence change replaces serine, which is neutral and polar, with proline, which is neutral and non-polar, at codon 38 of the NLRP1 protein (p.Ser38Pro). This variant is not present in population databases (gnomAD no frequency). ClinVar contains an entry for this variant (Variation ID: 2427903). Algorithms developed to predict the effect of missense changes on protein structure and function output the following: SIFT: "Not Available"; PolyPhen-2: "Benign"; Align-GVGD: "Not Available". The proline amino acid residue is found in multiple mammalian species, which suggests that this missense change does not adversely affect protein function. In summary, the available evidence is currently insufficient to determine the role of this variant in disease. Therefore, it has been classified as a Variant of Uncertain Significance.

NM_033004.4(NLRP1):c.112T>C (p.Ser38Pro)

Gene: NLRP1 (NLR family pyrin domain containing 1; minus strand). Cytogenetic location: 17p13.2.
Variant type: single nucleotide variant.
Coding change: c.112T>C on transcript NM_033004.4 (MANE Select); coding-DNA position 112, T replaced by C.
Protein change: p.Ser38Pro; replaces serine 38 with proline.
Molecular consequence: missense variant.
Genome position (GRCh38, 1-based): chr17:5,583,846, A>G on the plus strand (T>C on the coding strand, the complement: NLRP1 is on the minus strand). VCF-style: chr17-5583846-A-G. GRCh37 (hg19) VCF-style: chr17-5487166-A-G.
Other names: c.112T>C, p.Ser38Pro (NM_001033053.3, NM_014922.5, NM_033006.4 and 1 more transcripts); short protein forms S38P.
Identifiers: ClinVar variation 2427903 (VCV002427903.6), dbSNP rs2508144319, ClinGen allele CA397391165.
Genomic context (GRCh38, chr17:5,583,846, plus strand): 5'-CCAGGTACGAGGCCACCTCCATGCCACTCGTCTTCTCTGGCTGAGCGGGTGTCTCACCCG[A>G]AGAGCTCCTGGAGTGCGCTTTATTGGCGAGCAGAAGCTGGAACTCCTTCAGCTCCTCCTT-3'
Protein context (NP_127497.1, residues 28-48): LANKAHSRSS[Ser38Pro]GETPAQPEKT